The following is an entry in ClinVar:

NM_058216.3(RAD51C):c.762C>A (p.Asp254Glu)

Gene: RAD51C (RAD51 paralog C; plus strand). Cytogenetic location: 17q22.
Variant type: single nucleotide variant.
Coding change: c.762C>A on transcript NM_058216.3 (MANE Select); coding-DNA position 762, C replaced by A.
Protein change: p.Asp254Glu; replaces aspartic acid 254 with glutamic acid.
Molecular consequence: missense variant. On other transcripts: non-coding transcript variant (1).
Genome position (GRCh38, 1-based): chr17:58,709,915, C>A. VCF-style: chr17-58709915-C-A. GRCh37 (hg19) VCF-style: chr17-56787276-C-A.
Other names: short protein forms D254E.
Identifiers: ClinVar variation 827160 (VCV000827160.7), dbSNP rs1598484479, ClinGen allele CA400353706.

ClinVar aggregate classification (germline): Conflicting classifications of pathogenicity. Review status: criteria provided, conflicting classifications (1 of 4 stars). 2 submissions from 2 submitters: Uncertain significance (1); Benign (1). Last evaluated 2025-10-28.

Conditions:
Fanconi anemia complementation group O. Also called: RAD51C-Related Fanconi Anemia. Identifiers: Orphanet 84, MedGen C3150653, MONDO:0013248, OMIM 613390.
Hereditary cancer-predisposing syndrome. Also called: Neoplastic Syndromes, Hereditary; Hereditary Cancer Syndrome; Hereditary neoplastic syndrome; Tumor predisposition. Identifiers: Orphanet 140162, MedGen C0027672, MeSH D009386, MONDO:0015356.

Submissions (2):

Ambry Genetics
Classification: Benign for Hereditary cancer-predisposing syndrome. Last evaluated: 2025-10-28. Review status: criteria provided, single submitter. Criteria: Ambry Variant Classification Scheme 2023. Collection method: clinical testing. Allele origin: germline.

Labcorp Genetics (formerly Invitae), Labcorp
Classification: Uncertain significance for Fanconi anemia complementation group O. Last evaluated: 2025-06-09. Review status: criteria provided, single submitter. Criteria: Invitae Variant Classification Sherloc (09022015). Collection method: clinical testing. Allele origin: germline.
Comment: This sequence change replaces aspartic acid, which is acidic and polar, with glutamic acid, which is acidic and polar, at codon 254 of the RAD51C protein (p.Asp254Glu). This variant is not present in population databases (gnomAD no frequency). This variant has not been reported in the literature in individuals affected with RAD51C-related conditions. ClinVar contains an entry for this variant (Variation ID: 827160). Invitae Evidence Modeling of protein sequence and biophysical properties (such as structural, functional, and spatial information, amino acid conservation, physicochemical variation, residue mobility, and thermodynamic stability) indicates that this missense variant is not expected to disrupt RAD51C protein function with a negative predictive value of 80%. In summary, the available evidence is currently insufficient to determine the role of this variant in disease. Therefore, it has been classified as a Variant of Uncertain Significance.